The following is an entry in ClinVar:

NM_005045.4(RELN):c.3477C>A (p.Asn1159Lys)

Gene: RELN (reelin; minus strand). Cytogenetic location: 7q22.1.
Variant type: single nucleotide variant.
Coding change: c.3477C>A on transcript NM_005045.4 (MANE Select); coding-DNA position 3477, C replaced by A.
Protein change: p.Asn1159Lys; replaces asparagine 1159 with lysine.
Molecular consequence: missense variant.
Genome position (GRCh38, 1-based): chr7:103,596,518, G>T on the plus strand (C>A on the coding strand, the complement: RELN is on the minus strand). VCF-style: chr7-103596518-G-T. GRCh37 (hg19) VCF-style: chr7-103236965-G-T.
Other names: c.3477C>A, p.Asn1159Lys (NM_173054.3); short protein forms N1159K.
Identifiers: ClinVar variation 281243 (VCV000281243.72), dbSNP rs114684479, ClinGen allele CA4421757.

ClinVar aggregate classification (germline): Benign/Likely benign. Review status: criteria provided, multiple submitters, no conflicts (2 of 4 stars). 12 submissions from 12 submitters: Benign (2); Likely benign (7). 3 of the submissions do not count toward it. Last evaluated 2026-06-01.

Conditions:
RELN-related disorder. Also called: RELN-related condition.
Self-limited epilepsy with centrotemporal spikes. Also called: Rolandic epilepsy; Childhood epilepsy with centrotemporal spikes. Identifiers: Orphanet 1945, MedGen C0376532, MONDO:0007295.
Familial temporal lobe epilepsy 7. Identifiers: Orphanet 101046, MedGen C4225327, MONDO:0014639, OMIM 616436.
Norman-Roberts syndrome (LIS2). Also called: Lissencephaly 2 (Norman-Roberts type). Identifiers: Orphanet 89844, MedGen C0796089, MONDO:0009760, OMIM 257320.

Allele frequency attached by ClinVar (database versions not stated): 1000 Genomes Project 0.00100; gnomAD 0.00140 and 0.00143; 1000 Genomes Project 30x 0.00141; TOPMed 0.00149; gnomAD exomes 0.00163 and 0.00172; ExAC 0.00172; ESP Exome Variant Server 0.00238.
gnomAD v4.1: 2,765 of 1,614,028 alleles (0.17%); highest among the groups gnomAD compares: Middle Eastern, 0.84%; 8 homozygotes.

Submissions (12):

CeGaT Center for Human Genetics Tuebingen
Classification: Likely benign. Last evaluated: 2026-06-01. Review status: criteria provided, single submitter. Criteria: CeGaT Center For Human Genetics Tuebingen Variant Classification Criteria Version 2. Collection method: clinical testing. Allele origin: germline. Affected: yes. Observed: 28 variant alleles.
Comment: RELN: BS2

Labcorp Genetics (formerly Invitae), Labcorp
Classification: Likely benign for Familial temporal lobe epilepsy 7; Norman-Roberts syndrome. Last evaluated: 2026-01-27. Review status: criteria provided, single submitter. Criteria: Invitae Variant Classification Sherloc (09022015). Collection method: clinical testing. Allele origin: germline.

Blueprint Genetics
Classification: Likely benign. Last evaluated: 2024-11-17. Review status: criteria provided, single submitter. Criteria: ACMG Guidelines, 2015. Collection method: clinical testing. Allele origin: germline.

GeneDx
Classification: Likely benign. Last evaluated: 2021-01-25. Review status: criteria provided, single submitter. Criteria: GeneDx Variant Classification Process June 2021. Collection method: clinical testing. Allele origin: germline. Affected: yes.
Comment: This variant is associated with the following publications: (PMID: 14593429, 14515139, 29358611, 32560555)

Athena Diagnostics
Classification: Benign. Last evaluated: 2020-02-11. Review status: criteria provided, single submitter. Criteria: Athena Diagnostics Criteria. Collection method: clinical testing. Allele origin: unknown.

Illumina Laboratory Services, Illumina
Classification: Benign for Norman-Roberts syndrome. Last evaluated: 2017-04-28. Review status: criteria provided, single submitter. Criteria: ICSL Variant Classification Criteria 13 December 2019. Collection method: clinical testing. Allele origin: germline.
Comment: This variant was observed as part of a predisposition screen in an ostensibly healthy population. A literature search was performed for the gene, cDNA change, and amino acid change (where applicable). Publications were found based on this search. The evidence from the literature, in combination with allele frequency data from public databases where available, was sufficient to rule this variant out of causing disease. Therefore, this variant is classified as benign.

Genetic Services Laboratory, University of Chicago
Classification: Likely benign. Last evaluated: 2015-09-18. Review status: criteria provided, single submitter. Criteria: ACMG Guidelines, 2015. Collection method: clinical testing. Allele origin: germline. Affected: no.

Eurofins Ntd Llc (ga)
Classification: Likely benign. Last evaluated: 2015-09-04. Review status: criteria provided, single submitter. Criteria: EGL Classification Definitions 2015. Collection method: clinical testing. Allele origin: germline. Observed: 2 variant alleles, 1 heterozygote.

Breakthrough Genomics
Classification: Likely benign. Review status: criteria provided, single submitter. Criteria: ACMG Guidelines, 2015. Collection method: not provided. Allele origin: germline. Inheritance: Autosomal recessive inheritance. Affected: yes.

PreventionGenetics, part of Exact Sciences
Classification: Likely benign for RELN-related condition. Last evaluated: 2022-11-17. Review status: no assertion criteria provided. Collection method: clinical testing. Allele origin: germline. Not counted in ClinVar's aggregate classification.
Comment: This variant is classified as likely benign based on ACMG/AMP sequence variant interpretation guidelines (Richards et al. 2015 PMID: 25741868, with internal and published modifications).

Bioinformatics Core, Luxembourg Center for Systems Biomedicine
Classification: Pathogenic for Self-limited epilepsy with centrotemporal spikes. Last evaluated: 2017-01-01. Review status: no assertion criteria provided. Collection method: case-control. Allele origin: germline. Affected: yes. Study: EUROEPINOMICS COGIE. Not counted in ClinVar's aggregate classification.

Department of Pathology and Laboratory Medicine, Sinai Health System
Classification: Likely benign. Review status: no assertion criteria provided. Collection method: clinical testing. Allele origin: unknown. Affected: yes. Study: The Canadian Open Genetics Repository (COGR). Not counted in ClinVar's aggregate classification.
Comment: The RELN p.Asn1159Lys variant was identified in the literature in two sisters affected with autism (Bonora_2013_PMID:14515139). The variant was identified in dbSNP (ID: rs114684479), LOVD 3.0 and ClinVar (classified as likely benign by GeneDx, Invitae, EGL Genetic Diagnostics and Genetic Services Laboratory, University of Chicago, as uncertain significance by Athena Diagnostics Inc and as pathogenic by Bioinformatics Core, Luxembourg Center for Systems Biomedicine). The variant was identified in control databases in 441 of 282460 chromosomes (2 homozygous) at a frequency of 0.001561 increasing the likelihood this could be a low frequency benign variant (Genome Aggregation Database March 6, 2019, v2.1.1). The variant was observed in the following populations: Ashkenazi Jewish in 41 of 10358 chromosomes (freq: 0.003958), European (non-Finnish) in 286 of 128856 chromosomes (freq: 0.00222), South Asian in 55 of 30614 chromosomes (freq: 0.001797), Other in 12 of 7208 chromosomes (freq: 0.001665), Latino in 34 of 35392 chromosomes (freq: 0.000961), African in 10 of 24966 chromosomes (freq: 0.000401) and European (Finnish) in 3 of 25122 chromosomes (freq: 0.000119), but was not observed in the East Asian population. The p.Asn1159 residue is conserved in mammals and computational analyses (PolyPhen-2, SIFT, AlignGVGD, BLOSUM, MutationTaster) provide inconsistent predictions regarding the impact to the protein; this information is not very predictive of pathogenicity. The variant occurs outside of the splicing consensus sequence and in silico or computational prediction software programs (SpliceSiteFinder, MaxEntScan, NNSPLICE, GeneSplicer) do not predict a difference in splicing. In summary, based on the above information the clinical significance of this variant cannot be determined with certainty at this time although we would lean towards a more benign role for this variant. This variant is classified as likely benign.

Literature cited by the submitters: PubMed 14515139 (cited by Athena Diagnostics and Illumina Laboratory Services, Illumina); PubMed 14593429 (cited by Athena Diagnostics and Illumina Laboratory Services, Illumina); PubMed 29358611 (cited by Bioinformatics Core, Luxembourg Center for Systems Biomedicine).